The following is an entry in ClinVar:

ClinVar aggregate classification (germline): Benign. Review status: criteria provided, multiple submitters, no conflicts (2 of 4 stars). 2 submissions from 2 submitters: Benign (2). Last evaluated 2021-06-19.

Allele frequency attached by ClinVar (database versions not stated): 1000 Genomes Project 30x 0.05668; 1000 Genomes Project 0.05831; TOPMed 0.08872; gnomAD 0.08962 and 0.09155; gnomAD exomes 0.10600.

Submissions (2):

GeneDx
Classification: Benign. Last evaluated: 2021-06-19. Review status: criteria provided, single submitter. Criteria: GeneDx Variant Classification Process June 2021. Collection method: clinical testing. Allele origin: germline. Affected: yes.
Comment: This variant is associated with the following publications: (PMID: 28910730, 16517055)

Breakthrough Genomics
Classification: Benign. Review status: criteria provided, single submitter. Criteria: ACMG Guidelines, 2015. Collection method: not provided. Allele origin: germline. Inheritance: Autosomal recessive inheritance. Affected: yes.

NC_000017.11:g.63918913T>C

Genes: GH-LCR (growth hormone locus control region; plus strand), GH1 (growth hormone 1; minus strand). Cytogenetic location: 17q23.3.
Variant type: single nucleotide variant.
Genome position: GRCh38 VCF-style: chr17-63918913-T-C. GRCh37 (hg19) VCF-style: chr17-61996273-T-C.
Identifiers: ClinVar variation 1239137 (VCV001239137.5), dbSNP rs11568828, ClinGen allele CA14451781.